The following is an entry in ClinVar:

NM_001199799.2(ILDR1):c.106A>C (p.Thr36Pro)

Gene: ILDR1 (immunoglobulin like domain containing receptor 1; minus strand). Cytogenetic location: 3q13.33.
Variant type: single nucleotide variant.
Coding change: c.106A>C on transcript NM_001199799.2 (MANE Select); coding-DNA position 106, A replaced by C.
Protein change: p.Thr36Pro; replaces threonine 36 with proline.
Molecular consequence: missense variant.
Genome position (GRCh38, 1-based): chr3:122,007,114, T>G on the plus strand (A>C on the coding strand, the complement: ILDR1 is on the minus strand). VCF-style: chr3-122007114-T-G. GRCh37 (hg19) VCF-style: chr3-121725961-T-G.
Other names: c.106A>C, p.Thr36Pro (NM_001199800.2, NM_175924.4); short protein forms T36P.
Identifiers: ClinVar variation 1462701 (VCV001462701.6), dbSNP rs1576727805, ClinGen allele CA354133617.

ClinVar aggregate classification (germline): Uncertain significance (1 of 4 stars; one submission).

Submission:

Labcorp Genetics (formerly Invitae), Labcorp
Classification: Uncertain significance. Last evaluated: 2021-11-17. Review status: criteria provided, single submitter. Criteria: Invitae Variant Classification Sherloc (09022015). Collection method: clinical testing. Allele origin: germline.
Comment: In summary, the available evidence is currently insufficient to determine the role of this variant in disease. Therefore, it has been classified as a Variant of Uncertain Significance. Algorithms developed to predict the effect of missense changes on protein structure and function are either unavailable or do not agree on the potential impact of this missense change (SIFT: "Deleterious"; PolyPhen-2: "Probably Damaging"; Align-GVGD: "Class C0"). This variant has not been reported in the literature in individuals affected with ILDR1-related conditions. This variant is not present in population databases (gnomAD no frequency). This sequence change replaces threonine, which is neutral and polar, with proline, which is neutral and non-polar, at codon 36 of the ILDR1 protein (p.Thr36Pro).